The following is an entry in ClinVar:

NM_020919.4(ALS2):c.409G>A (p.Val137Ile)

Gene: ALS2 (alsin Rho guanine nucleotide exchange factor ALS2; minus strand). Cytogenetic location: 2q33.1.
Variant type: single nucleotide variant.
Coding change: c.409G>A on transcript NM_020919.4 (MANE Select); coding-DNA position 409, G replaced by A.
Protein change: p.Val137Ile; replaces valine 137 with isoleucine.
Molecular consequence: missense variant.
Genome position (GRCh38, 1-based): chr2:201,761,585, C>T on the plus strand (G>A on the coding strand, the complement: ALS2 is on the minus strand). VCF-style: chr2-201761585-C-T. GRCh37 (hg19) VCF-style: chr2-202626308-C-T.
Other names: c.409G>A, p.Val137Ile (NM_001135745.2, NM_001410975.1); short protein forms V137I.
Identifiers: ClinVar variation 1982102 (VCV001982102.1), dbSNP rs986929294, ClinGen allele CA63971816.

ClinVar aggregate classification (germline): Uncertain significance (1 of 4 stars; one submission).

Conditions:
Infantile-onset ascending hereditary spastic paralysis (IAHSP). Also called: Infantile-Onset Ascending Hereditary Spastic Paralysis (IAHSP); Autosomal Recessive Juvenile Amyotrophic Lateral Sclerosis. Identifiers: Orphanet 293168, MedGen C2931441, MONDO:0011797, OMIM 607225. Disease mechanism: loss of function.

Allele frequency attached by ClinVar (database versions not stated): TOPMed 0.00006.
gnomAD v4.1: 7 of 1,614,086 alleles (0.00043%); highest among the groups gnomAD compares: Non-Finnish European, 0.000085%; no homozygotes.

Submission:

Labcorp Genetics (formerly Invitae), Labcorp
Classification: Uncertain significance for Infantile-onset ascending hereditary spastic paralysis. Last evaluated: 2022-08-10. Review status: criteria provided, single submitter. Criteria: Invitae Variant Classification Sherloc (09022015). Collection method: clinical testing. Allele origin: germline.
Comment: This sequence change replaces valine, which is neutral and non-polar, with isoleucine, which is neutral and non-polar, at codon 137 of the ALS2 protein (p.Val137Ile). This variant is not present in population databases (gnomAD no frequency). This variant has not been reported in the literature in individuals affected with ALS2-related conditions. Algorithms developed to predict the effect of missense changes on protein structure and function output the following: SIFT: "Tolerated"; PolyPhen-2: "Benign"; Align-GVGD: "Class C0". The isoleucine amino acid residue is found in multiple mammalian species, which suggests that this missense change does not adversely affect protein function. In summary, the available evidence is currently insufficient to determine the role of this variant in disease. Therefore, it has been classified as a Variant of Uncertain Significance.